The following is an entry in ClinVar:

NM_001256071.3(RNF213):c.7089C>T (p.Val2363=)

Gene: RNF213 (ring finger protein 213; plus strand). Cytogenetic location: 17q25.3.
Variant type: single nucleotide variant.
Coding change: c.7089C>T on transcript NM_001256071.3 (MANE Select); coding-DNA position 7089, C replaced by T.
Protein change: p.Val2363=; no amino-acid change (valine 2363 retained).
Molecular consequence: synonymous variant.
Genome position (GRCh38, 1-based): chr17:80,345,424, C>T. VCF-style: chr17-80345424-C-T. GRCh37 (hg19) VCF-style: chr17-78319224-C-T.
Other names: c.7236C>T, p.Val2412= (NM_001410195.1, NM_020914.5).
Identifiers: ClinVar variation 2648418 (VCV002648418.27), dbSNP rs145895753, ClinGen allele CA8820676.

ClinVar aggregate classification (germline): Benign/Likely benign. Review status: criteria provided, multiple submitters, no conflicts (2 of 4 stars). 3 submissions from 3 submitters: Benign (1); Likely benign (2). Last evaluated 2025-07-23.

Allele frequency attached by ClinVar (database versions not stated): gnomAD exomes 0.00024; TOPMed 0.00032; gnomAD 0.00040; ExAC 0.00043; ESP Exome Variant Server 0.00046.
gnomAD v4.1: 448 of 1,613,642 alleles (0.028%); highest among the groups gnomAD compares: Admixed American, 0.01%; 3 homozygotes.

Submissions (3):

Labcorp Genetics (formerly Invitae), Labcorp
Classification: Benign. Last evaluated: 2025-07-23. Review status: criteria provided, single submitter. Criteria: Invitae Variant Classification Sherloc (09022015). Collection method: clinical testing. Allele origin: germline.

Laboratory of Genetics, Children's Clinical University Hospital Latvia
Classification: Likely benign. Last evaluated: 2025-02-16. Review status: criteria provided, single submitter. Criteria: ACMG Guidelines, 2015. Collection method: clinical testing. Allele origin: germline. Affected: yes.

CeGaT Center for Human Genetics Tuebingen
Classification: Likely benign. Last evaluated: 2022-12-01. Review status: criteria provided, single submitter. Criteria: CeGaT Center For Human Genetics Tuebingen Variant Classification Criteria Version 2. Collection method: clinical testing. Allele origin: germline. Affected: yes. Observed: 1 variant allele.
Comment: RNF213: BP4, BP7